The following is an entry in ClinVar:

ClinVar aggregate classification (germline): Uncertain significance (1 of 4 stars; one submission).

Conditions:
Nemaline myopathy 6 (NEM6). Also called: Nemaline myopathy 6, autosomal dominant. Identifiers: Orphanet 171439, MedGen C1836472, MONDO:0012237, OMIM 609273.

Allele frequency attached by ClinVar (database versions not stated): gnomAD exomes below 0.00001 and 0.00001; ExAC 0.00001; gnomAD 0.00001; TOPMed 0.00002.
gnomAD v4.1: 5 of 1,608,268 alleles (0.00031%); highest among the groups gnomAD compares: African/African-American, 0.0027%; no homozygotes.

Submission:

Labcorp Genetics (formerly Invitae), Labcorp
Classification: Uncertain significance for Nemaline myopathy 6. Last evaluated: 2024-12-16. Review status: criteria provided, single submitter. Criteria: Invitae Variant Classification Sherloc (09022015). Collection method: clinical testing. Allele origin: germline.
Comment: This sequence change replaces proline, which is neutral and non-polar, with leucine, which is neutral and non-polar, at codon 339 of the KBTBD13 protein (p.Pro339Leu). This variant is present in population databases (rs772222290, gnomAD 0.003%). This variant has not been reported in the literature in individuals affected with KBTBD13-related conditions. ClinVar contains an entry for this variant (Variation ID: 1370638). Invitae Evidence Modeling of protein sequence and biophysical properties (such as structural, functional, and spatial information, amino acid conservation, physicochemical variation, residue mobility, and thermodynamic stability) indicates that this missense variant is not expected to disrupt KBTBD13 protein function with a negative predictive value of 80%. In summary, the available evidence is currently insufficient to determine the role of this variant in disease. Therefore, it has been classified as a Variant of Uncertain Significance.

NM_001101362.3(KBTBD13):c.1016C>T (p.Pro339Leu)

Gene: KBTBD13 (kelch repeat and BTB domain containing 13; plus strand). Cytogenetic location: 15q22.31.
Variant type: single nucleotide variant.
Coding change: c.1016C>T on transcript NM_001101362.3 (MANE Select); coding-DNA position 1016, C replaced by T.
Protein change: p.Pro339Leu; replaces proline 339 with leucine.
Molecular consequence: missense variant.
Genome position (GRCh38, 1-based): chr15:65,077,831, C>T. VCF-style: chr15-65077831-C-T. GRCh37 (hg19) VCF-style: chr15-65370169-C-T.
Other names: short protein forms P339L.
Identifiers: ClinVar variation 1370638 (VCV001370638.6), dbSNP rs772222290, ClinGen allele CA7614044.